The following is an entry in ClinVar:

ClinVar aggregate classification (germline): Likely benign (0 of 4 stars; one submission).

Conditions:
TTC21A-related disorder. Also called: TTC21A-related condition.

gnomAD v4.1: 4 of 1,610,458 alleles (0.00025%); no homozygotes.

Submission:

PreventionGenetics, part of Exact Sciences
Classification: Likely benign for TTC21A-related condition. Last evaluated: 2024-06-05. Review status: no assertion criteria provided. Collection method: clinical testing. Allele origin: germline.
Comment: This variant is classified as likely benign based on ACMG/AMP sequence variant interpretation guidelines (Richards et al. 2015 PMID: 25741868, with internal and published modifications).

NM_001366900.1(TTC21A):c.3258-8A>G

Gene: TTC21A (tetratricopeptide repeat domain 21A; plus strand). Cytogenetic location: 3p22.2.
Variant type: single nucleotide variant.
Coding change: c.3258-8A>G on transcript NM_001366900.1 (MANE Select); 8 bases into the intron before coding-DNA position 3258, A replaced by G.
Molecular consequence: intron variant.
Genome position (GRCh38, 1-based): chr3:39,137,187, A>G. VCF-style: chr3-39137187-A-G. GRCh37 (hg19) VCF-style: chr3-39178678-A-G.
Other names: c.3282-8A>G (NM_001366899.1); c.3279-8A>G (NM_145755.3); c.3135-8A>G (NM_001105513.3).
Identifiers: ClinVar variation 3351375 (VCV003351375.1).